The following is an entry in ClinVar:

NM_020778.5(ALPK3):c.4267G>C (p.Ala1423Pro)

Gene: ALPK3 (alpha kinase 3; plus strand). Cytogenetic location: 15q25.3.
Variant type: single nucleotide variant.
Coding change: c.4267G>C on transcript NM_020778.5 (MANE Select); coding-DNA position 4267, G replaced by C.
Protein change: p.Ala1423Pro; replaces alanine 1423 with proline.
Molecular consequence: missense variant.
Genome position (GRCh38, 1-based): chr15:84,862,772, G>C. VCF-style: chr15-84862772-G-C. GRCh37 (hg19) VCF-style: chr15-85406003-G-C.
Other names: short protein forms A1423P.
Identifiers: ClinVar variation 1352395 (VCV001352395.8), dbSNP rs750010018, ClinGen allele CA7709912.

ClinVar aggregate classification (germline): Uncertain significance. Review status: criteria provided, multiple submitters, no conflicts (2 of 4 stars). 2 submissions from 2 submitters: Uncertain significance (2). Last evaluated 2024-10-20.

Conditions:
Cardiovascular phenotype. Identifiers: MedGen CN230736.

Allele frequency attached by ClinVar (database versions not stated): TOPMed 0.00002.
gnomAD v4.1: 9 of 1,614,138 alleles (0.00056%); highest among the groups gnomAD compares: East Asian, 0.018%; no homozygotes.

Submissions (2):

Labcorp Genetics (formerly Invitae), Labcorp
Classification: Uncertain significance. Last evaluated: 2024-10-20. Review status: criteria provided, single submitter. Criteria: Invitae Variant Classification Sherloc (09022015). Collection method: clinical testing. Allele origin: germline.
Comment: This sequence change replaces alanine, which is neutral and non-polar, with proline, which is neutral and non-polar, at codon 1625 of the ALPK3 protein (p.Ala1625Pro). This variant is present in population databases (rs750010018, gnomAD 0.03%). This variant has not been reported in the literature in individuals affected with ALPK3-related conditions. ClinVar contains an entry for this variant (Variation ID: 1352395). Invitae Evidence Modeling of protein sequence and biophysical properties (such as structural, functional, and spatial information, amino acid conservation, physicochemical variation, residue mobility, and thermodynamic stability) indicates that this missense variant is expected to disrupt ALPK3 protein function with a positive predictive value of 80%. In summary, the available evidence is currently insufficient to determine the role of this variant in disease. Therefore, it has been classified as a Variant of Uncertain Significance.

Ambry Genetics
Classification: Uncertain significance for Cardiovascular phenotype. Last evaluated: 2022-10-23. Review status: criteria provided, single submitter. Criteria: Ambry Variant Classification Scheme 2023. Collection method: clinical testing. Allele origin: germline.
Comment: The p.A1625P variant (also known as c.4873G>C), located in coding exon 10 of the ALPK3 gene, results from a G to C substitution at nucleotide position 4873. The alanine at codon 1625 is replaced by proline, an amino acid with highly similar properties. This amino acid position is conserved. In addition, this alteration is predicted to be tolerated by in silico analysis. Since supporting evidence is limited at this time, the clinical significance of this alteration remains unclear.